The following is an entry in ClinVar:

NM_015346.4(ZFYVE26):c.668G>A (p.Arg223Gln)

Gene: ZFYVE26 (zinc finger FYVE-type containing 26; minus strand). Cytogenetic location: 14q24.1.
Variant type: single nucleotide variant.
Coding change: c.668G>A on transcript NM_015346.4 (MANE Select); coding-DNA position 668, G replaced by A.
Protein change: p.Arg223Gln; replaces arginine 223 with glutamine.
Molecular consequence: missense variant.
Genome position (GRCh38, 1-based): chr14:67,807,616, C>T on the plus strand (G>A on the coding strand, the complement: ZFYVE26 is on the minus strand). VCF-style: chr14-67807616-C-T. GRCh37 (hg19) VCF-style: chr14-68274333-C-T.
Other names: c.668G>A (NM_015346.3); short protein forms R223Q.
Identifiers: ClinVar variation 2062706 (VCV002062706.4), dbSNP rs780808580, ClinGen allele CA7240740.

ClinVar aggregate classification (germline): Conflicting classifications of pathogenicity. Review status: criteria provided, conflicting classifications (1 of 4 stars). 3 submissions from 3 submitters: Uncertain significance (2); Likely benign (1). Last evaluated 2025-04-25.

Conditions:
Spastic paraplegia. Identifiers: MedGen C0037772, HP:0001258.
Hereditary spastic paraplegia 15 (SPG15). Also called: SPASTIC PARAPLEGIA AND RETINAL DEGENERATION; KJELLIN SYNDROME; SPASTIC PARAPLEGIA 15, AUTOSOMAL RECESSIVE. Identifiers: Orphanet 100996, MedGen C1849128, MONDO:0010044, OMIM 270700.
Inborn genetic diseases. Identifiers: MedGen C0950123, MeSH D030342.

Allele frequency attached by ClinVar (database versions not stated): gnomAD exomes 0.00002.
gnomAD v4.1: 33 of 1,614,064 alleles (0.002%); highest among the groups gnomAD compares: Middle Eastern, 0.016%; no homozygotes.

Submissions (3):

Ambry Genetics
Classification: Likely benign for Inborn genetic diseases. Last evaluated: 2025-04-25. Review status: criteria provided, single submitter. Criteria: Ambry Variant Classification Scheme 2023. Collection method: clinical testing. Allele origin: germline.

Revvity Omics, Revvity
Classification: Uncertain significance for Hereditary spastic paraplegia 15. Last evaluated: 2024-10-21. Review status: criteria provided, single submitter. Criteria: ACMG Guidelines, 2015. Collection method: clinical testing. Allele origin: germline.

Labcorp Genetics (formerly Invitae), Labcorp
Classification: Uncertain significance for Spastic paraplegia. Last evaluated: 2024-01-02. Review status: criteria provided, single submitter. Criteria: Invitae Variant Classification Sherloc (09022015). Collection method: clinical testing. Allele origin: germline.
Comment: This sequence change replaces arginine, which is basic and polar, with glutamine, which is neutral and polar, at codon 223 of the ZFYVE26 protein (p.Arg223Gln). This variant is present in population databases (rs780808580, gnomAD 0.006%). This variant has not been reported in the literature in individuals affected with ZFYVE26-related conditions. ClinVar contains an entry for this variant (Variation ID: 2062706). Algorithms developed to predict the effect of missense changes on protein structure and function output the following: SIFT: "Not Available"; PolyPhen-2: "Benign"; Align-GVGD: "Not Available". The glutamine amino acid residue is found in multiple mammalian species, which suggests that this missense change does not adversely affect protein function. In summary, the available evidence is currently insufficient to determine the role of this variant in disease. Therefore, it has been classified as a Variant of Uncertain Significance.